The following is an entry in ClinVar:

ClinVar aggregate classification (germline): Uncertain significance (1 of 4 stars; one submission).

Conditions:
MYH14-related disorder. Also called: MYH14-related condition.

gnomAD v4.1: 7 of 1,613,638 alleles (0.00043%); highest among the groups gnomAD compares: African/African-American, 0.0013%; no homozygotes.

Submission:

PreventionGenetics, part of Exact Sciences
Classification: Uncertain significance for MYH14-related condition. Last evaluated: 2025-08-26. Review status: criteria provided, single submitter. Criteria: ACMG Guidelines, 2015. Collection method: clinical testing. Allele origin: germline.
Comment: The MYH14 c.852C>A variant is not predicted to result in an amino acid change (p.=). This variant is predicted to impact splicing based on available splicing prediction programs (SpliceAI, Jaganathan et al. 2019. PubMed ID: 30661751). To our knowledge, this variant has not been reported in the literature. This variant is reported in 0.00088% of alleles in individuals of European (Non-Finnish) descent in gnomAD. At this time, the clinical significance of this variant is uncertain due to the absence of conclusive functional and genetic evidence.

NM_001145809.2(MYH14):c.852C>A (p.Ile284=)

Gene: MYH14 (myosin heavy chain 14; plus strand). Cytogenetic location: 19q13.33.
Variant type: single nucleotide variant.
Coding change: c.852C>A on transcript NM_001145809.2 (MANE Select); coding-DNA position 852, C replaced by A.
Protein change: p.Ile284=; no amino-acid change (isoleucine 284 retained).
Molecular consequence: synonymous variant.
Genome position (GRCh38, 1-based): chr19:50,226,944, C>A. VCF-style: chr19-50226944-C-A. GRCh37 (hg19) VCF-style: chr19-50730201-C-A.
Other names: c.852C>A, p.Ile284= (NM_001077186.2); c.828C>A, p.Ile276= (NM_024729.4).
Identifiers: ClinVar variation 4998760 (VCV004998760.1).
Genomic context (GRCh38, chr19:50,226,944, plus strand): 5'-CCACTTTGGTCTCTCCCAGGGCAAATTCATCCGCATCAACTTTGATGTTGCCGGGTACAT[C>A]GTGGGCGCCAACATTGAGACCTGTATCCTCTCACAGCCCATGGGGGTGGCAGCCAAGGGG-3'
Protein context (NP_001139281.1, residues 274-294): IRINFDVAGY[Ile284=]VGANIETYLL